The following is an entry in ClinVar:

ClinVar aggregate classification (germline): Uncertain significance. Review status: criteria provided, multiple submitters, no conflicts (2 of 4 stars). 4 submissions from 4 submitters: Uncertain significance (4). Last evaluated 2025-10-15.

Conditions:
Inborn genetic diseases. Identifiers: MedGen C0950123, MeSH D030342.
Beta-D-mannosidosis (MANSB). Also called: LYSOSOMAL BETA-MANNOSIDASE DEFICIENCY; Beta-Mannosidosis; MANNOSIDOSIS, BETA A, LYSOSOMAL; BETA-MANNOSIDASE DEFICIENCY. Identifiers: Orphanet 118, MedGen C4048196, MONDO:0009562, OMIM 248510.

Allele frequency attached by ClinVar (database versions not stated): ExAC 0.00007; ESP Exome Variant Server 0.00008; gnomAD 0.00005; gnomAD exomes 0.00008 and 0.00002; TOPMed 0.00008.
gnomAD v4.1: 41 of 1,611,826 alleles (0.0025%); highest among the groups gnomAD compares: Admixed American, 0.033%; no homozygotes.

Submissions (4):

Ambry Genetics
Classification: Uncertain significance for Inborn genetic diseases. Last evaluated: 2025-10-15. Review status: criteria provided, single submitter. Criteria: Ambry Variant Classification Scheme 2023. Collection method: clinical testing. Allele origin: germline.

GeneDx
Classification: Uncertain significance. Last evaluated: 2025-02-18. Review status: criteria provided, single submitter. Criteria: GeneDx Variant Classification Process June 2021. Collection method: clinical testing. Allele origin: germline. Affected: yes.
Comment: In silico analysis supports that this missense variant has a deleterious effect on protein structure/function; Has not been previously published as pathogenic or benign to our knowledge

Labcorp Genetics (formerly Invitae), Labcorp
Classification: Uncertain significance for Beta-D-mannosidosis. Last evaluated: 2022-07-29. Review status: criteria provided, single submitter. Criteria: Invitae Variant Classification Sherloc (09022015). Collection method: clinical testing. Allele origin: germline.
Comment: This sequence change replaces aspartic acid, which is acidic and polar, with valine, which is neutral and non-polar, at codon 813 of the MANBA protein (p.Asp813Val). This variant is present in population databases (rs367692761, gnomAD 0.05%). This variant has not been reported in the literature in individuals affected with MANBA-related conditions. ClinVar contains an entry for this variant (Variation ID: 347079). Algorithms developed to predict the effect of missense changes on protein structure and function are either unavailable or do not agree on the potential impact of this missense change (SIFT: "Deleterious"; PolyPhen-2: "Benign"; Align-GVGD: "Class C0"). In summary, the available evidence is currently insufficient to determine the role of this variant in disease. Therefore, it has been classified as a Variant of Uncertain Significance.

Illumina Laboratory Services, Illumina
Classification: Uncertain significance for Beta-D-mannosidosis. Last evaluated: 2018-01-13. Review status: criteria provided, single submitter. Criteria: ICSL Variant Classification Criteria 13 December 2019. Collection method: clinical testing. Allele origin: germline.

NM_005908.4(MANBA):c.2438A>T (p.Asp813Val)

Gene: MANBA (mannosidase beta; minus strand). Cytogenetic location: 4q24.
Variant type: single nucleotide variant.
Coding change: c.2438A>T on transcript NM_005908.4 (MANE Select); coding-DNA position 2438, A replaced by T.
Protein change: p.Asp813Val; replaces aspartic acid 813 with valine.
Molecular consequence: missense variant.
Genome position (GRCh38, 1-based): chr4:102,632,259, T>A on the plus strand (A>T on the coding strand, the complement: MANBA is on the minus strand). VCF-style: chr4-102632259-T-A. GRCh37 (hg19) VCF-style: chr4-103553416-T-A.
Other names: short protein forms D813V.
Identifiers: ClinVar variation 347079 (VCV000347079.9), dbSNP rs367692761, ClinGen allele CA3026611.
Genomic context (GRCh38, chr4:102,632,259, plus strand): 5'-CCTACATCCAACCAAACAAAGGGAGCGACAGCTGAGGTCTCCAGGTCAAAAACAAATATG[T>A]CACCTTGCTGAGAGATGATGGCCTGAAAAAGAAAAAAAAAAATGAATGAAGTGAAGGATG-3'
Protein context (NP_005899.3, residues 803-823): QITAIISQQG[Asp813Val]IFVFDLETSA